The following is an entry in ClinVar:

ClinVar aggregate classification (germline): Uncertain significance. Review status: criteria provided, multiple submitters, no conflicts (2 of 4 stars). 2 submissions from 2 submitters: Uncertain significance (2). Last evaluated 2022-05-14.

Conditions:
Knobloch syndrome (KNO). Also called: RETINAL DETACHMENT AND OCCIPITAL ENCEPHALOCELE; Myopia retinal detachment encephalocele. Identifiers: Orphanet 1571, MedGen C1849409, MONDO:0800166.

Allele frequency attached by ClinVar (database versions not stated): gnomAD 0.00002 and 0.00003; gnomAD exomes 0.00002; ExAC 0.00004; TOPMed 0.00004; ESP Exome Variant Server 0.00008.
gnomAD v4.1: 27 of 1,613,654 alleles (0.0017%); highest among the groups gnomAD compares: Middle Eastern, 0.016%; no homozygotes.

Submissions (2):

Labcorp Genetics (formerly Invitae), Labcorp
Classification: Uncertain significance. Last evaluated: 2022-05-14. Review status: criteria provided, single submitter. Criteria: Invitae Variant Classification Sherloc (09022015). Collection method: clinical testing. Allele origin: germline.
Comment: This sequence change replaces aspartic acid, which is acidic and polar, with asparagine, which is neutral and polar, at codon 73 of the COL18A1 protein (p.Asp73Asn). This variant is present in population databases (rs370054491, gnomAD 0.003%). This variant has not been reported in the literature in individuals affected with COL18A1-related conditions. ClinVar contains an entry for this variant (Variation ID: 340192). Experimental studies and prediction algorithms are not available or were not evaluated, and the functional significance of this variant is currently unknown. In summary, the available evidence is currently insufficient to determine the role of this variant in disease. Therefore, it has been classified as a Variant of Uncertain Significance.

Illumina Laboratory Services, Illumina
Classification: Uncertain significance for Knobloch syndrome 1. Last evaluated: 2018-01-12. Review status: criteria provided, single submitter. Criteria: ICSL Variant Classification Criteria 13 December 2019. Collection method: clinical testing. Allele origin: germline.

NM_001379500.1(COL18A1):c.217G>A (p.Asp73Asn)

Gene: COL18A1 (collagen type XVIII alpha 1 chain; plus strand). Cytogenetic location: 21q22.3.
Variant type: single nucleotide variant.
Coding change: c.217G>A on transcript NM_001379500.1 (MANE Select); coding-DNA position 217, G replaced by A.
Protein change: p.Asp73Asn; replaces aspartic acid 73 with asparagine.
Molecular consequence: missense variant.
Genome position (GRCh38, 1-based): chr21:45,468,352, G>A. VCF-style: chr21-45468352-G-A. GRCh37 (hg19) VCF-style: chr21-46888266-G-A.
Other names: NM_130445.2:c.217G>A; c.757G>A, p.Asp253Asn (NM_030582.4); c.1462G>A, p.Asp488Asn (NM_130444.3); short protein forms D253N, D488N.
Identifiers: ClinVar variation 340192 (VCV000340192.7), dbSNP rs370054491, ClinGen allele CA10065700.
Genomic context (GRCh38, chr21:45,468,352, plus strand): 5'-CCCCAGCAGGTCACCCAGACGGATGACCCCGACGTCGGGCTGGCCTACGTCTTTGGGCCA[G>A]ATGCCAACAGTGGCCAAGTGGCCCGGTACCACTTCCCCAGCCTCTTCTTCCGTGACTTCT-3'
Protein context (NP_001366429.1, residues 63-83): DVGLAYVFGP[Asp73Asn]ANSGQVARYH